The following is an entry in ClinVar:

NM_000059.4(BRCA2):c.9875C>A (p.Pro3292Gln)

Gene: BRCA2 (BRCA2 DNA repair associated; plus strand). Cytogenetic location: 13q13.1.
Variant type: single nucleotide variant.
Coding change: c.9875C>A on transcript NM_000059.4 (MANE Select); coding-DNA position 9875, C replaced by A.
Protein change: p.Pro3292Gln; replaces proline 3292 with glutamine.
Molecular consequence: missense variant.
Genome position (GRCh38, 1-based): chr13:32,398,388, C>A. VCF-style: chr13-32398388-C-A. GRCh37 (hg19) VCF-style: chr13-32972525-C-A.
Other names: short protein forms P3292Q.
Identifiers: ClinVar variation 823524 (VCV000823524.11), dbSNP rs56121817, ClinGen allele CA387766683.

ClinVar aggregate classification (germline): Uncertain significance. Review status: criteria provided, multiple submitters, no conflicts (2 of 4 stars). 4 submissions from 4 submitters: Uncertain significance (4). Last evaluated 2025-04-18.

Conditions:
Hereditary cancer-predisposing syndrome. Also called: Tumor predisposition; Hereditary Cancer Syndrome; Neoplastic Syndromes, Hereditary; Hereditary neoplastic syndrome. Identifiers: Orphanet 140162, MedGen C0027672, MeSH D009386, MONDO:0015356.
Hereditary breast ovarian cancer syndrome. Also called: Hereditary breast and ovarian cancer; Breast and ovarian cancer; Hereditary breast and/or ovarian cancer syndrome; Hereditary breast and ovarian cancer syndrome; BRCA1- and BRCA2-Associated Hereditary Breast and Ovarian Cancer; Hereditary breast and ovarian cancer syndrome (HBOC). Identifiers: Orphanet 145, MedGen C0677776, MeSH D061325, MONDO:0003582. Disease mechanism: loss of function.

gnomAD v4.1: 1 of 1,614,098 alleles (0.000062%); highest among the groups gnomAD compares: Admixed American, 0.0017%; no homozygotes.

Submissions (4):

Labcorp Genetics (formerly Invitae), Labcorp
Classification: Uncertain significance for Hereditary breast ovarian cancer syndrome. Last evaluated: 2025-04-18. Review status: criteria provided, single submitter. Criteria: Invitae Variant Classification Sherloc (09022015). Collection method: clinical testing. Allele origin: germline.
Comment: This sequence change replaces proline, which is neutral and non-polar, with glutamine, which is neutral and polar, at codon 3292 of the BRCA2 protein (p.Pro3292Gln). This variant is present in population databases (no rsID available, gnomAD 0.003%). This variant has not been reported in the literature in individuals affected with BRCA2-related conditions. ClinVar contains an entry for this variant (Variation ID: 823524). Invitae Evidence Modeling of protein sequence and biophysical properties (such as structural, functional, and spatial information, amino acid conservation, physicochemical variation, residue mobility, and thermodynamic stability) indicates that this missense variant is not expected to disrupt BRCA2 protein function with a negative predictive value of 95%. Algorithms developed to predict the effect of sequence changes on RNA splicing suggest that this variant may create or strengthen a splice site. In summary, the available evidence is currently insufficient to determine the role of this variant in disease. Therefore, it has been classified as a Variant of Uncertain Significance.

Color Diagnostics, LLC DBA Color Health
Classification: Uncertain significance for Hereditary cancer-predisposing syndrome. Last evaluated: 2024-08-14. Review status: criteria provided, single submitter. Criteria: ACMG Guidelines, 2015. Collection method: clinical testing. Allele origin: germline.
Comment: This missense variant replaces proline with glutamine at codon 3292 of the BRCA2 protein. Computational prediction suggests that this variant protein may not impact protein structure and function. Splice site prediction tools suggest that this variant may impact RNA splicing (PMID: 30661751, 35449021). To our knowledge, RNA and functional studies have not been reported for this variant. This variant has not been reported in individuals affected with BRCA2-related disorders in the literature. This variant has been identified in 1/251176 chromosomes in the general population by the Genome Aggregation Database (gnomAD). The available evidence is insufficient to determine the role of this variant in disease conclusively. Therefore, this variant is classified as a Variant of Uncertain Significance.

Quest Diagnostics Nichols Institute San Juan Capistrano
Classification: Uncertain significance. Last evaluated: 2023-01-16. Review status: criteria provided, single submitter. Criteria: Quest Diagnostics criteria. Collection method: clinical testing. Allele origin: unknown.
Comment: The variant has not been reported in the published literature. The frequency of this variant in the general population, 0.000004 (1/251176 chromosomes), is uninformative in assessment of its pathogenicity. Analysis of this variant using bioinformatics tools for the prediction of the effect of amino acid changes on protein structure and function yielded predictions that this variant is damaging. Additional analysis using software algorithms for the prediction of the effect of nucleotide changes on BRCA2 mRNA splicing yielded predictions that this variant may result in the gain of a cryptic splice site without affecting the natural splice sites . Based on the available information, we are unable to determine the clinical significance of this variant.

Ambry Genetics
Classification: Uncertain significance for Hereditary cancer-predisposing syndrome. Last evaluated: 2021-12-08. Review status: criteria provided, single submitter. Criteria: Ambry Variant Classification Scheme 2023. Collection method: clinical testing. Allele origin: germline.
Comment: The p.P3292Q variant (also known as c.9875C>A), located in coding exon 26 of the BRCA2 gene, results from a C to A substitution at nucleotide position 9875. The proline at codon 3292 is replaced by glutamine, an amino acid with similar properties. This amino acid position is well conserved in available vertebrate species. In addition, this alteration is predicted to be tolerated by in silico analysis. Since supporting evidence is limited at this time, the clinical significance of this alteration remains unclear.

Literature cited by the submitters: PubMed 30661751 (cited by Color Diagnostics, LLC DBA Color Health); PubMed 35449021 (cited by Color Diagnostics, LLC DBA Color Health); PubMed 23704879 (cited by Ambry Genetics); PubMed 26740942 (cited by Ambry Genetics); PubMed 29192238 (cited by Ambry Genetics); PubMed 30287823 (cited by Ambry Genetics); PubMed 30400234 (cited by Ambry Genetics); PubMed 31742824 (cited by Ambry Genetics).